The following is an entry in ClinVar:

ClinVar aggregate classification (germline): Uncertain significance (1 of 4 stars; one submission).

Conditions:
CHARGE syndrome (CHARGE). Also called: Hittner Hirsch Kreh syndrome; CHARGE ASSOCIATION--COLOBOMA, HEART ANOMALY, CHOANAL ATRESIA, RETARDATION, GENITAL AND EAR ANOMALIES; Coloboma, heart anomaly, choanal atresia, retardation, genital and ear anomalies; CHARGE association; Hall-Hittner syndrome. Identifiers: Orphanet 138, MedGen C0265354, MONDO:0008965.

Allele frequency attached by ClinVar (database versions not stated): gnomAD exomes below 0.00001.
gnomAD v4.1: 1 of 1,613,770 alleles (0.000062%); highest among the groups gnomAD compares: Non-Finnish European, 0.000085%; no homozygotes.

Submission:

Labcorp Genetics (formerly Invitae), Labcorp
Classification: Uncertain significance for CHARGE syndrome. Last evaluated: 2023-09-08. Review status: criteria provided, single submitter. Criteria: Invitae Variant Classification Sherloc (09022015). Collection method: clinical testing. Allele origin: germline.
Comment: This sequence change replaces proline, which is neutral and non-polar, with alanine, which is neutral and non-polar, at codon 521 of the CHD7 protein (p.Pro521Ala). This variant is not present in population databases (gnomAD no frequency). This variant has not been reported in the literature in individuals affected with CHD7-related conditions. Advanced modeling of protein sequence and biophysical properties (such as structural, functional, and spatial information, amino acid conservation, physicochemical variation, residue mobility, and thermodynamic stability) performed at Invitae indicates that this missense variant is not expected to disrupt CHD7 protein function. In summary, the available evidence is currently insufficient to determine the role of this variant in disease. Therefore, it has been classified as a Variant of Uncertain Significance.

NM_017780.4(CHD7):c.1561C>G (p.Pro521Ala)

Gene: CHD7 (chromodomain helicase DNA binding protein 7; plus strand). Cytogenetic location: 8q12.2.
Variant type: single nucleotide variant.
Coding change: c.1561C>G on transcript NM_017780.4 (MANE Select); coding-DNA position 1561, C replaced by G.
Protein change: p.Pro521Ala; replaces proline 521 with alanine.
Molecular consequence: missense variant.
Genome position (GRCh38, 1-based): chr8:60,742,993, C>G. VCF-style: chr8-60742993-C-G. GRCh37 (hg19) VCF-style: chr8-61655552-C-G.
Other names: c.1561C>G, p.Pro521Ala (NM_001316690.1); short protein forms P521A.
Identifiers: ClinVar variation 2849707 (VCV002849707.3), dbSNP rs2487284705, ClinGen allele CA371303458.